The following is an entry in ClinVar:

NM_005055.5(RAPSN):c.161C>T (p.Ser54Leu)

Gene: RAPSN (receptor associated protein of the synapse; minus strand). Cytogenetic location: 11p11.2.
Variant type: single nucleotide variant.
Coding change: c.161C>T on transcript NM_005055.5 (MANE Select); coding-DNA position 161, C replaced by T.
Protein change: p.Ser54Leu; replaces serine 54 with leucine.
Molecular consequence: missense variant.
Genome position (GRCh38, 1-based): chr11:47,448,804, G>A on the plus strand (C>T on the coding strand, the complement: RAPSN is on the minus strand). VCF-style: chr11-47448804-G-A. GRCh37 (hg19) VCF-style: chr11-47470356-G-A.
Other names: c.161C>T, p.Ser54Leu (NM_032645.5); short protein forms S54L.
Identifiers: ClinVar variation 639907 (VCV000639907.9), dbSNP rs750772292, ClinGen allele CA5976820.

ClinVar aggregate classification (germline): Uncertain significance. Review status: criteria provided, single submitter (1 of 4 stars). 2 submissions from 2 submitters: Uncertain significance (1). 1 of the submissions does not count toward it. Last evaluated 2024-02-23.

Conditions:
Congenital myasthenic syndrome (CMS). Also called: Congenital Myasthenic Syndromes. Identifiers: Orphanet 590, MedGen C0751882, MeSH D020294, MONDO:0018940.
Congenital myasthenic syndrome 11. Also called: MYASTHENIC SYNDROME, CONGENITAL, Ie; Myasthenic syndrome, congenital, 11, associated with acetylcholine receptor deficiency. Identifiers: Orphanet 590, MedGen C4225367, MONDO:0014588, OMIM 616326.
Fetal akinesia deformation sequence 1 (FADS1). Also called: Pena-Shokeir syndrome type I; Fetal akinesia sequence. Identifiers: Orphanet 994, MedGen C1276035, MONDO:0100101, OMIM 208150, HP:0001989.

Allele frequency attached by ClinVar (database versions not stated): ExAC 0.00001; gnomAD 0.00001; gnomAD exomes 0.00001; TOPMed 0.00001.
gnomAD v4.1: 8 of 1,612,610 alleles (0.0005%); highest among the groups gnomAD compares: African/African-American, 0.0027%; no homozygotes.

Submissions (2):

Labcorp Genetics (formerly Invitae), Labcorp
Classification: Uncertain significance for Congenital myasthenic syndrome 11; Fetal akinesia deformation sequence 1. Last evaluated: 2024-02-23. Review status: criteria provided, single submitter. Criteria: Invitae Variant Classification Sherloc (09022015). Collection method: clinical testing. Allele origin: germline.
Comment: This sequence change replaces serine, which is neutral and polar, with leucine, which is neutral and non-polar, at codon 54 of the RAPSN protein (p.Ser54Leu). This variant is present in population databases (rs750772292, gnomAD 0.007%). This variant has not been reported in the literature in individuals affected with RAPSN-related conditions. ClinVar contains an entry for this variant (Variation ID: 639907). Advanced modeling of protein sequence and biophysical properties (such as structural, functional, and spatial information, amino acid conservation, physicochemical variation, residue mobility, and thermodynamic stability) performed at Invitae indicates that this missense variant is not expected to disrupt RAPSN protein function with a negative predictive value of 80%. In summary, the available evidence is currently insufficient to determine the role of this variant in disease. Therefore, it has been classified as a Variant of Uncertain Significance.

Natera, Inc.
Classification: Uncertain significance for Congenital myasthenic syndrome. Last evaluated: 2020-07-23. Review status: no assertion criteria provided. Collection method: clinical testing. Allele origin: germline. Not counted in ClinVar's aggregate classification.